The following is an entry in ClinVar:

NM_201253.3(CRB1):c.2842+33T>G

Gene: CRB1 (crumbs cell polarity complex component 1; plus strand). Cytogenetic location: 1q31.3.
Variant type: single nucleotide variant.
Coding change: c.2842+33T>G on transcript NM_201253.3 (MANE Select); 33 bases into the intron after coding-DNA position 2842, T replaced by G.
Molecular consequence: intron variant.
Genome position (GRCh38, 1-based): chr1:197,429,647, T>G. VCF-style: chr1-197429647-T-G. GRCh37 (hg19) VCF-style: chr1-197398777-T-G.
Other names: c.2770+33T>G (NM_001257965.2); c.2129-5953T>G (NM_001257966.2); c.2506+33T>G (NM_001193640.2).
Identifiers: ClinVar variation 2498441 (VCV002498441.28), dbSNP rs2528167477, ClinGen allele CA2580061833.

ClinVar aggregate classification (germline): Uncertain significance (1 of 4 stars; one submission).

Submission:

CeGaT Center for Human Genetics Tuebingen
Classification: Uncertain significance. Last evaluated: 2023-02-01. Review status: criteria provided, single submitter. Criteria: CeGaT Center For Human Genetics Tuebingen Variant Classification Criteria Version 2. Collection method: clinical testing. Allele origin: germline. Affected: yes. Observed: 1 variant allele.
Comment: CRB1: PM2, PP3